The following is an entry in ClinVar:

ClinVar aggregate classification (germline): Uncertain significance. Review status: criteria provided, multiple submitters, no conflicts (2 of 4 stars). 3 submissions from 3 submitters: Uncertain significance (3). Last evaluated 2025-12-22.

Conditions:
NTRK2-related disorder. Also called: NTRK2-related condition.
Inborn genetic diseases. Identifiers: MedGen C0950123, MeSH D030342.

Allele frequency attached by ClinVar (database versions not stated): TOPMed 0.00001; gnomAD 0.00001.
gnomAD v4.1: 3 of 1,613,962 alleles (0.00019%); highest among the groups gnomAD compares: Non-Finnish European, 0.000085%; no homozygotes.

Submissions (3):

Labcorp Genetics (formerly Invitae), Labcorp
Classification: Uncertain significance. Last evaluated: 2025-12-22. Review status: criteria provided, single submitter. Criteria: Invitae Variant Classification Sherloc (09022015). Collection method: clinical testing. Allele origin: germline.
Comment: This sequence change replaces threonine, which is neutral and polar, with arginine, which is basic and polar, at codon 34 of the NTRK2 protein (p.Thr34Arg). This variant is present in population databases (no rsID available, gnomAD no frequency). This variant has not been reported in the literature in individuals affected with NTRK2-related conditions. ClinVar contains an entry for this variant (Variation ID: 2089953). An algorithm developed to predict the effect of missense changes on protein structure and function (PolyPhen-2) suggests that this variant is likely to be tolerated. In summary, the available evidence is currently insufficient to determine the role of this variant in disease. Therefore, it has been classified as a Variant of Uncertain Significance.

PreventionGenetics, part of Exact Sciences
Classification: Uncertain significance for NTRK2-related condition. Last evaluated: 2025-03-17. Review status: criteria provided, single submitter. Criteria: ACMG Guidelines, 2015. Collection method: clinical testing. Allele origin: germline.
Comment: The NTRK2 c.101C>G variant is predicted to result in the amino acid substitution p.Thr34Arg. To our knowledge, this variant has not been reported in the literature. This variant is reported in 0.0% of alleles in individuals of African descent in gnomAD. At this time, the clinical significance of this variant is uncertain due to the absence of conclusive functional and genetic evidence.

Ambry Genetics
Classification: Uncertain significance for Inborn genetic diseases. Last evaluated: 2023-11-13. Review status: criteria provided, single submitter. Criteria: Ambry Variant Classification Scheme 2023. Collection method: clinical testing. Allele origin: germline.

NM_006180.6(NTRK2):c.101C>G (p.Thr34Arg)

Gene: NTRK2 (neurotrophic receptor tyrosine kinase 2; plus strand). Cytogenetic location: 9q21.33.
Variant type: single nucleotide variant.
Coding change: c.101C>G on transcript NM_006180.6 (MANE Select); coding-DNA position 101, C replaced by G.
Protein change: p.Thr34Arg; replaces threonine 34 with arginine.
Molecular consequence: missense variant.
Genome position (GRCh38, 1-based): chr9:84,670,849, C>G. VCF-style: chr9-84670849-C-G. GRCh37 (hg19) VCF-style: chr9-87285764-C-G.
Other names: c.101C>G, p.Thr34Arg (NM_001007097.3, NM_001018064.3, NM_001018065.2 and 19 more transcripts); c.101C>G (NM_006180.3, NM_006180.4); short protein forms T34R.
Identifiers: ClinVar variation 2089953 (VCV002089953.6), dbSNP rs759206123, ClinGen allele CA374004736.